The following is an entry in ClinVar:

ClinVar aggregate classification (germline): Likely benign (1 of 4 stars; one submission).

Conditions:
BIN1-related disorder. Also called: BIN1-related condition.

gnomAD v4.1: 35 of 1,614,016 alleles (0.0022%); highest among the groups gnomAD compares: Non-Finnish European, 0.0028%; no homozygotes.

Submission:

PreventionGenetics, part of Exact Sciences
Classification: Likely benign for BIN1-related condition. Last evaluated: 2025-02-10. Review status: criteria provided, single submitter. Criteria: ACMG Guidelines, 2015. Collection method: clinical testing. Allele origin: germline.
Comment: This variant is classified as likely benign based on ACMG/AMP sequence variant interpretation guidelines (Richards et al. 2015 PMID: 25741868, with internal and published modifications).

NM_139343.3(BIN1):c.857+1465G>A

Gene: BIN1 (bridging integrator 1; minus strand). Cytogenetic location: 2q14.3.
Variant type: single nucleotide variant.
Coding change: c.857+1465G>A on transcript NM_139343.3 (MANE Select); 1465 bases into the intron after coding-DNA position 857, G replaced by A.
Molecular consequence: intron variant.
Genome position (GRCh38, 1-based): chr2:127,060,650, C>T on the plus strand (G>A on the coding strand, the complement: BIN1 is on the minus strand). VCF-style: chr2-127060650-C-T. GRCh37 (hg19) VCF-style: chr2-127818226-C-T.
Other names: c.776+1465G>A (NM_001320642.1); c.692+1465G>A (NM_001320634.1); c.764+1465G>A (NM_139351.3, NM_139350.3, NM_139349.3 and 3 more transcripts); c.765-10G>A (NM_001320632.2, NM_004305.4, NM_139346.3); c.857+1465G>A (NM_001320633.2, NM_139345.3, NM_139344.3 and 1 more transcripts).
Identifiers: ClinVar variation 4978905 (VCV004978905.1).